The following is an entry in ClinVar:

NM_004006.3(DMD):c.2597_2600del (p.Ile866fs)

Gene: DMD (dystrophin; minus strand). Cytogenetic location: Xp21.1.
Variant type: Deletion.
Coding change: c.2597_2600del on transcript NM_004006.3 (MANE Select); coding-DNA positions 2597 to 2600, 4 bases deleted (TTAA; older notation c.2597_2600delTTAA).
Protein change: p.Ile866fs; shifts the reading frame from isoleucine 866.
Molecular consequence: frameshift variant.
Genome position (GRCh38, 1-based): chrX:32,491,299-32,491,302, TTAA deleted on the plus strand (TTAA on the coding strand, the reverse complement: DMD is on the minus strand); deleting any 4 consecutive bases within chrX:32,491,299-32,491,304 gives the same sequence; the c. name uses the placement nearest the transcript's 3' end. VCF-style (leftmost placement, unchanged base first): chrX-32491298-TTTAA-T. GRCh37 (hg19) VCF-style: chrX-32509415-TTTAA-T.
Other names: c.2573_2576del, p.Ile858fs (NM_000109.4); c.2585_2588del, p.Ile862fs (NM_004009.3); c.2228_2231del, p.Ile743fs (NM_004010.3); short protein forms I866fs, I743fs, I858fs, I862fs.
Identifiers: ClinVar variation 4723335 (VCV004723335.1).

ClinVar aggregate classification (germline): Pathogenic (1 of 4 stars; one submission).

Conditions:
Duchenne muscular dystrophy (DMD). Also called: MUSCULAR DYSTROPHY, PSEUDOHYPERTROPHIC PROGRESSIVE, DUCHENNE TYPE; Duchenne Muscular Dystrophy (DMD). Identifiers: Orphanet 98896, MedGen C0013264, MONDO:0010679, OMIM 310200.

Submission:

Labcorp Genetics (formerly Invitae), Labcorp
Classification: Pathogenic for Duchenne muscular dystrophy. Last evaluated: 2025-08-25. Review status: criteria provided, single submitter. Criteria: Invitae Variant Classification Sherloc (09022015). Collection method: clinical testing. Allele origin: germline.
Comment: This sequence change creates a premature translational stop signal (p.Ile866Lysfs*4) in the DMD gene. It is expected to result in an absent or disrupted protein product. Loss-of-function variants in DMD are known to be pathogenic (PMID: 16770791, 25007885). This variant is not present in population databases (gnomAD no frequency). This variant has not been reported in the literature in individuals affected with DMD-related conditions. For these reasons, this variant has been classified as Pathogenic.

Literature cited by the submitters: PubMed 16770791; PubMed 25007885.